The following is an entry in ClinVar:

ClinVar aggregate classification (germline): Likely pathogenic. Review status: criteria provided, multiple submitters, no conflicts (2 of 4 stars). 2 submissions from 2 submitters: Likely pathogenic (2). Last evaluated 2025-11-17.

Conditions:
Polyglandular autoimmune syndrome, type 1 (APS1). Also called: AUTOIMMUNE POLYENDOCRINE SYNDROME, TYPE I, WITH OR WITHOUT REVERSIBLE METAPHYSEAL DYSPLASIA; Autoimmune polyendocrinopathy syndrome, type I; Autoimmune polyendocrinopathy syndrome , type I, with or without reversible metaphyseal dysplasia; Autoimmune polyendocrine syndrome type 1; APS I; HYPOADRENOCORTICISM WITH HYPOPARATHYROIDISM AND SUPERFICIAL MONILIASIS. Identifiers: Orphanet 3453, MedGen C0085859, MONDO:0009411, OMIM 240300.

Allele frequency attached by ClinVar (database versions not stated): gnomAD exomes 0.00003 and 0.00008.

Submissions (2):

Labcorp Genetics (formerly Invitae), Labcorp
Classification: Likely pathogenic for Polyglandular autoimmune syndrome, type 1. Last evaluated: 2025-11-17. Review status: criteria provided, single submitter. Criteria: Invitae Variant Classification Sherloc (09022015). Collection method: clinical testing. Allele origin: germline.
Comment: This variant results in the deletion of part of exon 10 (c.1203_1278+28del) of the AIRE gene. It is expected to disrupt RNA splicing. Variants that disrupt the donor or acceptor splice site typically lead to a loss of protein function (PMID: 16199547), and loss-of-function variants in AIRE are known to be pathogenic (PMID: 11524731, 26141571). This variant is present in population databases (no rsID available, gnomAD 0.06%). This variant has not been reported in the literature in individuals affected with AIRE-related conditions. ClinVar contains an entry for this variant (Variation ID: 847862). In summary, the currently available evidence indicates that the variant is pathogenic, but additional data are needed to prove that conclusively. Therefore, this variant has been classified as Likely Pathogenic.

Natera, Inc.
Classification: Likely pathogenic for Polyglandular autoimmune syndrome type 1. Last evaluated: 2025-08-30. Review status: criteria provided, single submitter. Criteria: Natera Variant Classification Schema (03/2026). Collection method: clinical testing. Allele origin: germline.
Comment: The c.1203_1278+28delTTCTGCAGCCCCGCTGCCAGGGCTGGACTCCTCGGCCCTGCACCCCCTACTGTGTGTGGGTCCTGAGGGTCAGCAGGTGAGCGGGGAGTGGGGGTCAGGGTGGG variant in AIRE is a deletion affecting a canonical donor splice site and part of an exon. This variant is expected to result in nonsense mediated decay, truncation, or a dysfunctional protein product. This variant is rare in the general population with a frequency below the threshold expected for the associated phenotype(s). Given the available evidence, this variant is classified as Likely Pathogenic.

Literature cited by the submitters: PubMed 16199547 (cited by Labcorp Genetics (formerly Invitae), Labcorp); PubMed 11524731 (cited by Labcorp Genetics (formerly Invitae), Labcorp); PubMed 26141571 (cited by Labcorp Genetics (formerly Invitae), Labcorp).

NM_000383.4(AIRE):c.1203_1278+28del

Gene: AIRE (autoimmune regulator; plus strand). Cytogenetic location: 21q22.3.
Variant type: Deletion.
Coding change: c.1203_1278+28del on transcript NM_000383.4 (MANE Select); coding-DNA position 1203 through 28 bases into the intron after coding-DNA position 1278, 104 bases deleted.
Molecular consequence: splice donor variant.
Genome position (GRCh38, 1-based): chr21:44,293,100-44,293,203, 104 bases deleted. GRCh37 (hg19): chr21:45,712,983-45,713,086.
Other names: c.1203_1278+28delTTCTGCAGCCCCGCTGCCAGGGCTGGACTCCTCGGCCCTGCACCCCCTACTGTGTGTGGGTCCTGAGGGTCAGCAGGTGAGCGGGGAGTGGGGGTCAGGGTGGG (NM_000383.4, NM_000383.3).
Identifiers: ClinVar variation 847862 (VCV000847862.8), dbSNP rs1568929576, ClinGen allele CA10051989.